The following is an entry in ClinVar:

ClinVar aggregate classification (germline): Uncertain significance (1 of 4 stars; one submission).

Conditions:
Inborn genetic diseases. Identifiers: MedGen C0950123, MeSH D030342.

Submission:

Ambry Genetics
Classification: Uncertain significance for Inborn genetic diseases. Last evaluated: 2022-07-10. Review status: criteria provided, single submitter. Criteria: Ambry Variant Classification Scheme 2023. Collection method: clinical testing. Allele origin: germline.
Comment: The p.G2472R variant (also known as c.7414G>C), located in coding exon 44 of the ATR gene, results from a G to C substitution at nucleotide position 7414. The glycine at codon 2472 is replaced by arginine, an amino acid with dissimilar properties. This amino acid position is conserved. In addition, this alteration is predicted to be deleterious by in silico analysis. Since supporting evidence is limited at this time, the clinical significance of this alteration remains unclear.

NM_001184.4(ATR):c.7414G>C (p.Gly2472Arg)

Gene: ATR (ATR checkpoint kinase; minus strand). Cytogenetic location: 3q23.
Variant type: single nucleotide variant.
Coding change: c.7414G>C on transcript NM_001184.4 (MANE Select); coding-DNA position 7414, G replaced by C.
Protein change: p.Gly2472Arg; replaces glycine 2472 with arginine.
Molecular consequence: missense variant.
Genome position (GRCh38, 1-based): chr3:142,459,047, C>G on the plus strand (G>C on the coding strand, the complement: ATR is on the minus strand). VCF-style: chr3-142459047-C-G. GRCh37 (hg19) VCF-style: chr3-142177889-C-G.
Other names: c.7222G>C, p.Gly2408Arg (NM_001354579.2); short protein forms G2472R, G2408R.
Identifiers: ClinVar variation 1758799 (VCV001758799.2), dbSNP rs2108260340, ClinGen allele CA354796120.